The following is an entry in ClinVar:

NM_014425.5(INVS):c.1208A>G (p.Lys403Arg)

Gene: INVS (inversin; plus strand). Cytogenetic location: 9q31.1.
Variant type: single nucleotide variant.
Coding change: c.1208A>G on transcript NM_014425.5 (MANE Select); coding-DNA position 1208, A replaced by G.
Protein change: p.Lys403Arg; replaces lysine 403 with arginine.
Molecular consequence: missense variant. On other transcripts: non-coding transcript variant (1).
Genome position (GRCh38, 1-based): chr9:100,252,412, A>G. VCF-style: chr9-100252412-A-G. GRCh37 (hg19) VCF-style: chr9-103014694-A-G.
Other names: c.920A>G, p.Lys307Arg (NM_001318381.2); c.230A>G, p.Lys77Arg (NM_001318382.2); short protein forms K307R, K403R, K77R.
Identifiers: ClinVar variation 1408202 (VCV001408202.8), dbSNP rs1564176658, ClinGen allele CA374364530.

ClinVar aggregate classification (germline): Uncertain significance (1 of 4 stars; one submission).

Conditions:
Nephronophthisis. Also called: Juvenile Nephronophthisis. Identifiers: Orphanet 655, MedGen C0687120, MONDO:0019005, HP:0000090.

Submission:

Labcorp Genetics (formerly Invitae), Labcorp
Classification: Uncertain significance for Nephronophthisis. Last evaluated: 2022-09-27. Review status: criteria provided, single submitter. Criteria: Invitae Variant Classification Sherloc (09022015). Collection method: clinical testing. Allele origin: germline.
Comment: This sequence change replaces lysine, which is basic and polar, with arginine, which is basic and polar, at codon 403 of the INVS protein (p.Lys403Arg). This variant is not present in population databases (gnomAD no frequency). This variant has not been reported in the literature in individuals affected with INVS-related conditions. ClinVar contains an entry for this variant (Variation ID: 1408202). Algorithms developed to predict the effect of missense changes on protein structure and function output the following: SIFT: "Tolerated"; PolyPhen-2: "Benign"; Align-GVGD: "Class C0". The arginine amino acid residue is found in multiple mammalian species, which suggests that this missense change does not adversely affect protein function. In summary, the available evidence is currently insufficient to determine the role of this variant in disease. Therefore, it has been classified as a Variant of Uncertain Significance.